The following is an entry in ClinVar:

ClinVar aggregate classification (germline): Uncertain significance (1 of 4 stars; one submission).

Conditions:
Glycogen storage disease IXd (GSD9D). Also called: Muscle Phosphorylase Kinase Deficiency; GSD IXd. Identifiers: Orphanet 715, MedGen C1845151, MONDO:0010362, OMIM 300559.

Submission:

Labcorp Genetics (formerly Invitae), Labcorp
Classification: Uncertain significance for Glycogen storage disease IXd. Last evaluated: 2025-06-22. Review status: criteria provided, single submitter. Criteria: Invitae Variant Classification Sherloc (09022015). Collection method: clinical testing. Allele origin: germline.
Comment: This sequence change replaces glycine, which is neutral and non-polar, with valine, which is neutral and non-polar, at codon 642 of the PHKA1 protein (p.Gly642Val). This variant is not present in population databases (gnomAD no frequency). This variant has not been reported in the literature in individuals affected with PHKA1-related conditions. An algorithm developed to predict the effect of missense changes on protein structure and function (PolyPhen-2) suggests that this variant is likely to be tolerated. In summary, the available evidence is currently insufficient to determine the role of this variant in disease. Therefore, it has been classified as a Variant of Uncertain Significance.

NM_002637.4(PHKA1):c.1925G>T (p.Gly642Val)

Gene: PHKA1 (phosphorylase kinase regulatory subunit alpha 1; minus strand). Cytogenetic location: Xq13.1.
Variant type: single nucleotide variant.
Coding change: c.1925G>T on transcript NM_002637.4 (MANE Select); coding-DNA position 1925, G replaced by T.
Protein change: p.Gly642Val; replaces glycine 642 with valine.
Molecular consequence: missense variant.
Genome position (GRCh38, 1-based): chrX:72,623,144, C>A on the plus strand (G>T on the coding strand, the complement: PHKA1 is on the minus strand). VCF-style: chrX-72623144-C-A. GRCh37 (hg19) VCF-style: chrX-71842994-C-A.
Other names: c.1925G>T, p.Gly642Val (NM_001122670.2, NM_001172436.2, NM_001431068.1 and 2 more transcripts); short protein forms G642V.
Identifiers: ClinVar variation 4741584 (VCV004741584.1).